The following is an entry in ClinVar:

ClinVar aggregate classification (germline): Uncertain significance (1 of 4 stars; one submission).

Submission:

GeneDx
Classification: Uncertain significance. Last evaluated: 2024-10-30. Review status: criteria provided, single submitter. Criteria: GeneDx Variant Classification Process June 2021. Collection method: clinical testing. Allele origin: germline. Affected: yes.
Comment: Not observed at significant frequency in large population cohorts (gnomAD); In silico analysis supports that this missense variant has a deleterious effect on protein structure/function; Has not been previously published as pathogenic or benign to our knowledge

NM_000719.7(CACNA1C):c.938C>T (p.Pro313Leu)

Gene: CACNA1C (calcium voltage-gated channel subunit alpha1 C; plus strand). Cytogenetic location: 12p13.33.
Variant type: single nucleotide variant.
Coding change: c.938C>T on transcript NM_000719.7 (MANE Select); coding-DNA position 938, C replaced by T.
Protein change: p.Pro313Leu; replaces proline 313 with leucine.
Molecular consequence: missense variant.
Genome position (GRCh38, 1-based): chr12:2,493,211, C>T. VCF-style: chr12-2493211-C-T. GRCh37 (hg19) VCF-style: chr12-2602377-C-T.
Other names: c.938C>T, p.Pro313Leu (NM_001129827.2, NM_001129829.2, NM_001129830.3 and 18 more transcripts); c.929C>T, p.Pro310Leu (NM_001129844.2); short protein forms P310L, P313L.
Identifiers: ClinVar variation 3897255 (VCV003897255.1).
Genomic context (GRCh38, chr12:2,493,211, plus strand): 5'-CTGCTGCTCCCGTCTCCTGTCTTCTTCTGGCCATTTGAGATGTTCCAGCAGAAGATGACC[C>T]TTCCCCTTGTGCGCTGGAAACGGGCCACGGGCGGCAGTGCCAGAACGGCACGGTGTGCAA-3'
Protein context (NP_000710.5, residues 303-323): GIADVPAEDD[Pro313Leu]SPCALETGHG